The following is an entry in ClinVar:

ClinVar aggregate classification (germline): Uncertain significance (1 of 4 stars; one submission).

Conditions:
Pheochromocytoma. Also called: MAX-Related Hereditary Paraganglioma-Pheochromocytoma Syndrome. Identifiers: Orphanet 29072, MedGen C0031511, MONDO:0008233, OMIM 171300, HP:0002666.
Cowden syndrome 3 (CWS3). Identifiers: Orphanet 201, MedGen CN166604, MONDO:0014045.
Carney-Stratakis syndrome. Also called: PARAGANGLIOMA AND GASTROINTESTINAL STROMAL TUMOR. Identifiers: Orphanet 97286, MedGen C1847319, MONDO:0011740, OMIM 606864.
Paragangliomas with sensorineural hearing loss. Identifiers: MedGen C1868633.

Submission:

Labcorp Genetics (formerly Invitae), Labcorp
Classification: Uncertain significance for Carney-Stratakis syndrome; Paragangliomas with sensorineural hearing loss; Pheochromocytoma; Cowden syndrome 3. Last evaluated: 2024-09-06. Review status: criteria provided, single submitter. Criteria: Invitae Variant Classification Sherloc (09022015). Collection method: clinical testing. Allele origin: germline.
Comment: This sequence change replaces alanine, which is neutral and non-polar, with threonine, which is neutral and polar, at codon 137 of the SDHD protein (p.Ala137Thr). This variant is not present in population databases (gnomAD no frequency). This variant has not been reported in the literature in individuals affected with SDHD-related conditions. ClinVar contains an entry for this variant (Variation ID: 1433158). Invitae Evidence Modeling of protein sequence and biophysical properties (such as structural, functional, and spatial information, amino acid conservation, physicochemical variation, residue mobility, and thermodynamic stability) has been performed for this missense variant. However, the output from this modeling did not meet the statistical confidence thresholds required to predict the impact of this variant on SDHD protein function. In summary, the available evidence is currently insufficient to determine the role of this variant in disease. Therefore, it has been classified as a Variant of Uncertain Significance.

NM_003002.4(SDHD):c.409G>A (p.Ala137Thr)

Gene: SDHD (succinate dehydrogenase complex subunit D; plus strand). Cytogenetic location: 11q23.1.
Variant type: single nucleotide variant.
Coding change: c.409G>A on transcript NM_003002.4 (MANE Select); coding-DNA position 409, G replaced by A.
Protein change: p.Ala137Thr; replaces alanine 137 with threonine.
Molecular consequence: missense variant. On other transcripts: 3 prime UTR variant (2), non-coding transcript variant (1).
Genome position (GRCh38, 1-based): chr11:112,094,899, G>A. VCF-style: chr11-112094899-G-A. GRCh37 (hg19) VCF-style: chr11-111965623-G-A.
Other names: c.*6G>A (NM_001276503.2); c.292G>A, p.Ala98Thr (NM_001276504.2); c.*107G>A (NM_001276506.2); short protein forms A137T, A98T.
Identifiers: ClinVar variation 1433158 (VCV001433158.8), dbSNP rs1555187611, ClinGen allele CA382619260.